The following is an entry in ClinVar:

ClinVar aggregate classification (germline): Uncertain significance (0 of 4 stars; one submission).

Conditions:
HNRNPC-related condition.

Submission:

PreventionGenetics, part of Exact Sciences
Classification: Uncertain significance for HNRNPC-related condition. Last evaluated: 2024-03-29. Review status: no assertion criteria provided. Collection method: clinical testing. Allele origin: germline.
Comment: The HNRNPC c.294A>T variant is predicted to result in the amino acid substitution p.Lys98Asn. To our knowledge, this variant has not been reported in the literature or in a large population database, indicating this variant is rare. An adjacent missense variant (p.Arg99Gln) was reported to be de novo in an individual with dysmorphic features, mild intellectual disability, and developmental delay (Niggl et al. 2023. PubMed ID: 37541189, See Table S4). Although we suspect that the c.294A>T (p.Lys98Asn) variant may be pathogenic, at this time, the clinical significance of this variant is uncertain due to the absence of conclusive functional and genetic evidence.

NM_004500.4(HNRNPC):c.294A>T (p.Lys98Asn)

Gene: HNRNPC (heterogeneous nuclear ribonucleoprotein C; minus strand). Cytogenetic location: 14q11.2.
Variant type: single nucleotide variant.
Coding change: c.294A>T on transcript NM_004500.4 (MANE Select); coding-DNA position 294, A replaced by T.
Protein change: p.Lys98Asn; replaces lysine 98 with asparagine.
Molecular consequence: missense variant.
Genome position (GRCh38, 1-based): chr14:21,231,020, T>A on the plus strand (A>T on the coding strand, the complement: HNRNPC is on the minus strand). VCF-style: chr14-21231020-T-A. GRCh37 (hg19) VCF-style: chr14-21699179-T-A.
Other names: c.294A>T, p.Lys98Asn (NM_001077442.2, NM_001077443.2, NM_031314.3); short protein forms K98N.
Identifiers: ClinVar variation 3350023 (VCV003350023.1).